The following is an entry in ClinVar:

ClinVar aggregate classification (germline): Likely pathogenic (1 of 4 stars; one submission).

Submission:

GeneDx
Classification: Likely pathogenic. Last evaluated: 2024-08-08. Review status: criteria provided, single submitter. Criteria: GeneDx Variant Classification Process June 2021. Collection method: clinical testing. Allele origin: germline. Affected: yes.
Comment: Canonical splice site variant predicted to result in a null allele in a gene for which loss of function is a known mechanism of disease; Not observed at significant frequency in large population cohorts (gnomAD); Has not been previously published as pathogenic or benign to our knowledge

NM_016188.5(ACTL6B):c.370-2A>G

Gene: ACTL6B (actin like 6B; minus strand). Cytogenetic location: 7q22.1.
Variant type: single nucleotide variant.
Coding change: c.370-2A>G on transcript NM_016188.5 (MANE Select); the canonical splice acceptor site of the intron before coding-DNA position 370, A replaced by G.
Molecular consequence: splice acceptor variant.
Genome position (GRCh38, 1-based): chr7:100,650,137, T>C on the plus strand (A>G on the coding strand, the complement: ACTL6B is on the minus strand). VCF-style: chr7-100650137-T-C. GRCh37 (hg19) VCF-style: chr7-100247760-T-C.
Identifiers: ClinVar variation 3602972 (VCV003602972.1).